The following is an entry in ClinVar:

NM_001903.5(CTNNA1):c.1499A>T (p.Asp500Val)

Gene: CTNNA1 (catenin alpha 1; plus strand). Cytogenetic location: 5q31.2.
Variant type: single nucleotide variant.
Coding change: c.1499A>T on transcript NM_001903.5 (MANE Select); coding-DNA position 1499, A replaced by T.
Protein change: p.Asp500Val; replaces aspartic acid 500 with valine.
Molecular consequence: missense variant.
Genome position (GRCh38, 1-based): chr5:138,917,851, A>T. VCF-style: chr5-138917851-A-T. GRCh37 (hg19) VCF-style: chr5-138253540-A-T.
Other names: c.1499A>T, p.Asp500Val (NM_001290307.3, NM_001323982.2, NM_001323983.1 and 2 more transcripts); c.1190A>T, p.Asp397Val (NM_001290309.3); c.1130A>T, p.Asp377Val (NM_001290310.3); c.389A>T, p.Asp130Val (NM_001290312.1, NM_001323987.1, NM_001323988.1 and 17 more transcripts); c.1406A>T, p.Asp469Val (NM_001323986.2); c.50A>T, p.Asp17Val (NM_001324006.1, NM_001324007.1, NM_001324008.1 and 2 more transcripts); c.296A>T, p.Asp99Val (NM_001324011.1); c.146A>T, p.Asp49Val (NM_001324012.1, NM_001324013.1); short protein forms D130V, D17V, D377V, D397V, D469V, D49V, D500V, D99V.
Identifiers: ClinVar variation 3221881 (VCV003221881.1), dbSNP rs2533590594, ClinGen allele CA361137327.

ClinVar aggregate classification (germline): Uncertain significance (1 of 4 stars; one submission).

Conditions:
Hereditary cancer-predisposing syndrome. Also called: Tumor predisposition; Hereditary neoplastic syndrome; Hereditary Cancer Syndrome; Neoplastic Syndromes, Hereditary. Identifiers: Orphanet 140162, MedGen C0027672, MeSH D009386, MONDO:0015356.

Submission:

Ambry Genetics
Classification: Uncertain significance for Hereditary cancer-predisposing syndrome. Last evaluated: 2023-11-09. Review status: criteria provided, single submitter. Criteria: Ambry Variant Classification Scheme 2023. Collection method: clinical testing. Allele origin: germline.
Comment: The p.D500V variant (also known as c.1499A>T), located in coding exon 10 of the CTNNA1 gene, results from an A to T substitution at nucleotide position 1499. The aspartic acid at codon 500 is replaced by valine, an amino acid with highly dissimilar properties. This amino acid position is conserved. In addition, the in silico prediction for this alteration is inconclusive. Since supporting evidence is limited at this time, the clinical significance of this alteration remains unclear.